The following is an entry in ClinVar:

ClinVar aggregate classification (germline): Uncertain significance (1 of 4 stars; one submission).

Submission:

Labcorp Genetics (formerly Invitae), Labcorp
Classification: Uncertain significance. Last evaluated: 2022-12-13. Review status: criteria provided, single submitter. Criteria: Invitae Variant Classification Sherloc (09022015). Collection method: clinical testing. Allele origin: germline.
Comment: This variant has not been reported in the literature in individuals affected with RECQL-related conditions. Advanced modeling of protein sequence and biophysical properties (such as structural, functional, and spatial information, amino acid conservation, physicochemical variation, residue mobility, and thermodynamic stability) performed at Invitae indicates that this missense variant is expected to disrupt RECQL protein function. In summary, the available evidence is currently insufficient to determine the role of this variant in disease. Therefore, it has been classified as a Variant of Uncertain Significance. This sequence change replaces glycine, which is neutral and non-polar, with valine, which is neutral and non-polar, at codon 375 of the RECQL protein (p.Gly375Val). This variant is not present in population databases (gnomAD no frequency).

NM_002907.4(RECQL):c.1124G>T (p.Gly375Val)

Gene: RECQL (RecQ like helicase; minus strand). Cytogenetic location: 12p12.1.
Variant type: single nucleotide variant.
Coding change: c.1124G>T on transcript NM_002907.4 (MANE Select); coding-DNA position 1124, G replaced by T.
Protein change: p.Gly375Val; replaces glycine 375 with valine.
Molecular consequence: missense variant.
Genome position (GRCh38, 1-based): chr12:21,475,560, C>A on the plus strand (G>T on the coding strand, the complement: RECQL is on the minus strand). VCF-style: chr12-21475560-C-A. GRCh37 (hg19) VCF-style: chr12-21628494-C-A.
Other names: c.1124G>T, p.Gly375Val (NM_032941.3); short protein forms G375V.
Identifiers: ClinVar variation 2820570 (VCV002820570.3), dbSNP rs780969979, ClinGen allele CA384120221.